The following is an entry in ClinVar:

ClinVar aggregate classification (germline): Benign/Likely benign. Review status: criteria provided, multiple submitters, no conflicts (2 of 4 stars). 15 submissions from 15 submitters: Benign (6); Likely benign (5). 4 of the submissions do not count toward it. Last evaluated 2026-03-05.

Conditions:
Retinal dystrophy. Also called: Inherited retinal dystrophy. Identifiers: Orphanet 71862, MedGen C0854723, MeSH D058499, MONDO:0019118, HP:0000556.
ABCA4-related disorder. Also called: ABCA4-related disorders; ABCA4-related condition. Identifiers: MedGen CN239167.

Allele frequency attached by ClinVar (database versions not stated): 1000 Genomes Project 0.22085; 1000 Genomes Project 30x 0.22392; ExAC 0.25526; gnomAD exomes 0.25538 and 0.29964; TOPMed 0.25594; gnomAD 0.25794 and 0.25928; ESP Exome Variant Server 0.26065.
gnomAD v4.1: 475,026 of 1,610,992 alleles (29%); highest among the groups gnomAD compares: Non-Finnish European, 32%; 72,755 homozygotes.

Submissions (15):

Women's Health and Genetics/Laboratory Corporation of America, LabCorp
Classification: Likely benign. Last evaluated: 2026-03-05. Review status: criteria provided, single submitter. Criteria: LabCorp Variant Classification Summary - May 2015. Collection method: clinical testing. Allele origin: germline.

Labcorp Genetics (formerly Invitae), Labcorp
Classification: Benign. Last evaluated: 2026-02-04. Review status: criteria provided, single submitter. Criteria: Invitae Variant Classification Sherloc (09022015). Collection method: clinical testing. Allele origin: germline.

Blueprint Genetics
Classification: Likely benign. Last evaluated: 2024-11-26. Review status: criteria provided, single submitter. Criteria: ACMG Guidelines, 2015. Collection method: clinical testing. Allele origin: germline.

ARUP Laboratories, Molecular Genetics and Genomics, ARUP Laboratories
Classification: Benign. Last evaluated: 2023-11-22. Review status: criteria provided, single submitter. Criteria: ARUP Molecular Germline Variant Investigation Process 2024. Collection method: clinical testing. Allele origin: germline.

Dept Of Ophthalmology, Nagoya University
Classification: Benign for Retinal dystrophy. Last evaluated: 2023-10-01. Review status: criteria provided, single submitter. Criteria: Submitter's publication. Collection method: research. Allele origin: germline. Affected: yes.

Illumina Laboratory Services, Illumina
Classification: Likely benign for ABCA4-Related Disorders. Last evaluated: 2017-04-27. Review status: criteria provided, single submitter. Criteria: ICSL Variant Classification Criteria 13 December 2019. Collection method: clinical testing. Allele origin: germline.
Comment: This variant was observed as part of a predisposition screen in an ostensibly healthy population. A literature search was performed for the gene, cDNA change, and amino acid change (where applicable). No publications were found based on this search. Allele frequency data from public databases allowed determination this variant is unlikely to cause disease. Therefore, this variant is classified as likely benign.

CeGaT Center for Human Genetics Tuebingen
Classification: Likely benign. Last evaluated: 2016-08-31. Review status: criteria provided, single submitter. Criteria: Praxis fuer Humangenetik Tuebingen - Variant Classification Criteria. Collection method: clinical testing. Allele origin: germline. Affected: yes. Observed: 2 variant alleles.

Eurofins Ntd Llc (ga)
Classification: Benign. Last evaluated: 2014-05-19. Review status: criteria provided, single submitter. Criteria: EGL Classification Definitions 2015. Collection method: clinical testing. Allele origin: germline. Observed: 2 variant alleles, 2 heterozygotes.

GeneDx
Classification: Benign. Last evaluated: 2012-10-10. Review status: criteria provided, single submitter. Criteria: GeneDx Variant Classification (06012015). Collection method: clinical testing. Allele origin: germline. Affected: yes.
Comment: This variant is considered likely benign or benign based on one or more of the following criteria: it is a conservative change, it occurs at a poorly conserved position in the protein, it is predicted to be benign by multiple in silico algorithms, and/or has population frequency not consistent with disease.

Breakthrough Genomics
Classification: Likely benign. Review status: criteria provided, single submitter. Criteria: ACMG Guidelines, 2015. Collection method: not provided. Allele origin: germline. Inheritance: Autosomal recessive inheritance. Affected: yes.

PreventionGenetics, part of Exact Sciences
Classification: Benign. Review status: criteria provided, single submitter. Criteria: ACMG Guidelines, 2015. Collection method: clinical testing. Allele origin: germline.

Clinical Genetics DNA and cytogenetics Diagnostics Lab, Erasmus MC, Erasmus Medical Center
Classification: Benign. Review status: no assertion criteria provided. Collection method: clinical testing. Allele origin: germline. Affected: yes. Study: VKGL Data-share Consensus. Not counted in ClinVar's aggregate classification.

Department of Ophthalmology and Visual Sciences Kyoto University
Classification: Likely benign. Review status: no assertion criteria provided. Collection method: not provided. Allele origin: unknown. Not counted in ClinVar's aggregate classification.
ClinVar note: Converted during submission from probable-non-pathogenic to Likely benign.

Joint Genome Diagnostic Labs from Nijmegen and Maastricht, Radboudumc and MUMC+
Classification: Benign. Review status: no assertion criteria provided. Collection method: clinical testing. Allele origin: germline. Affected: yes. Study: VKGL Data-share Consensus. Not counted in ClinVar's aggregate classification.

Retina International
No classification provided. Review status: no classification provided. Collection method: not provided. Allele origin: unknown. Not counted in ClinVar's aggregate classification.

NM_000350.3(ABCA4):c.1268A>G (p.His423Arg)

Gene: ABCA4 (ATP binding cassette subfamily A member 4; minus strand). Cytogenetic location: 1p22.1.
Variant type: single nucleotide variant.
Coding change: c.1268A>G on transcript NM_000350.3 (MANE Select); coding-DNA position 1268, A replaced by G.
Protein change: p.His423Arg; replaces histidine 423 with arginine.
Molecular consequence: missense variant.
Genome position (GRCh38, 1-based): chr1:94,078,678, T>C on the plus strand (A>G on the coding strand, the complement: ABCA4 is on the minus strand). VCF-style: chr1-94078678-T-C. GRCh37 (hg19) VCF-style: chr1-94544234-T-C.
Other names: p.H423R:CAC>CGC; c.1268A>G, p.His423Arg (NM_001425324.1); short protein forms H423R.
Identifiers: ClinVar variation 99040 (VCV000099040.39), dbSNP rs3112831, ClinGen allele CA200667.